The following is an entry in ClinVar:

ClinVar aggregate classification (germline): Uncertain significance (1 of 4 stars; one submission).

Allele frequency attached by ClinVar (database versions not stated): TOPMed 0.00001; ExAC 0.00002; gnomAD exomes 0.00003.
gnomAD v4.1: 40 of 1,611,912 alleles (0.0025%); highest among the groups gnomAD compares: Non-Finnish European, 0.0031%; no homozygotes.

Submission:

Labcorp Genetics (formerly Invitae), Labcorp
Classification: Uncertain significance. Last evaluated: 2022-09-27. Review status: criteria provided, single submitter. Criteria: Invitae Variant Classification Sherloc (09022015). Collection method: clinical testing. Allele origin: germline.
Comment: In summary, the available evidence is currently insufficient to determine the role of this variant in disease. Therefore, it has been classified as a Variant of Uncertain Significance. Algorithms developed to predict the effect of missense changes on protein structure and function are either unavailable or do not agree on the potential impact of this missense change (SIFT: "Deleterious"; PolyPhen-2: "Probably Damaging"; Align-GVGD: "Class C0"). This variant has not been reported in the literature in individuals affected with SIPA1L3-related conditions. This variant is present in population databases (rs749726821, gnomAD 0.006%). This sequence change replaces arginine, which is basic and polar, with glutamine, which is neutral and polar, at codon 578 of the SIPA1L3 protein (p.Arg578Gln).

NM_015073.3(SIPA1L3):c.1733G>A (p.Arg578Gln)

Gene: SIPA1L3 (signal induced proliferation associated 1 like 3; plus strand). Cytogenetic location: 19q13.13.
Variant type: single nucleotide variant.
Coding change: c.1733G>A on transcript NM_015073.3 (MANE Select); coding-DNA position 1733, G replaced by A.
Protein change: p.Arg578Gln; replaces arginine 578 with glutamine.
Molecular consequence: missense variant.
Genome position (GRCh38, 1-based): chr19:38,100,029, G>A. VCF-style: chr19-38100029-G-A. GRCh37 (hg19) VCF-style: chr19-38590669-G-A.
Other names: short protein forms R578Q.
Identifiers: ClinVar variation 1940159 (VCV001940159.5), dbSNP rs749726821, ClinGen allele CA9409463.